The following is an entry in ClinVar:

NM_025132.4(WDR19):c.3634A>G (p.Ser1212Gly)

Gene: WDR19 (WD repeat domain 19; plus strand). Cytogenetic location: 4p14.
Variant type: single nucleotide variant.
Coding change: c.3634A>G on transcript NM_025132.4 (MANE Select); coding-DNA position 3634, A replaced by G.
Protein change: p.Ser1212Gly; replaces serine 1212 with glycine.
Molecular consequence: missense variant.
Genome position (GRCh38, 1-based): chr4:39,274,876, A>G. VCF-style: chr4-39274876-A-G. GRCh37 (hg19) VCF-style: chr4-39276496-A-G.
Other names: c.3154A>G, p.Ser1052Gly (NM_001317924.2); short protein forms S1212G, S1052G.
Identifiers: ClinVar variation 2069526 (VCV002069526.4), dbSNP rs866537330, ClinGen allele CA95703759.

ClinVar aggregate classification (germline): Uncertain significance (1 of 4 stars; one submission).

Conditions:
Senior-Loken syndrome 8 (SLSN8). Identifiers: Orphanet 3156, MedGen C4225376, MONDO:0014579, OMIM 616307.
Asphyxiating thoracic dystrophy 5 (SRTD5). Also called: SHORT-RIB THORACIC DYSPLASIA 5 WITH OR WITHOUT POLYDACTYLY; SHORT-RIB THORACIC DYSPLASIA 5 WITHOUT POLYDACTYLY. Identifiers: Orphanet 474, MedGen C3280598, MONDO:0013717, OMIM 614376.

Allele frequency attached by ClinVar (database versions not stated): gnomAD exomes below 0.00001; TOPMed below 0.00001.
gnomAD v4.1: 3 of 1,614,074 alleles (0.00019%); highest among the groups gnomAD compares: Non-Finnish European, 0.00017%; no homozygotes.

Submission:

Labcorp Genetics (formerly Invitae), Labcorp
Classification: Uncertain significance for Senior-Loken syndrome 8; Asphyxiating thoracic dystrophy 5. Last evaluated: 2022-07-21. Review status: criteria provided, single submitter. Criteria: Invitae Variant Classification Sherloc (09022015). Collection method: clinical testing. Allele origin: germline.
Comment: In summary, the available evidence is currently insufficient to determine the role of this variant in disease. Therefore, it has been classified as a Variant of Uncertain Significance. Algorithms developed to predict the effect of missense changes on protein structure and function (SIFT, PolyPhen-2, Align-GVGD) all suggest that this variant is likely to be tolerated. This variant has not been reported in the literature in individuals affected with WDR19-related conditions. This variant is present in population databases (no rsID available, gnomAD 0.01%). This sequence change replaces serine, which is neutral and polar, with glycine, which is neutral and non-polar, at codon 1212 of the WDR19 protein (p.Ser1212Gly).